The following is an entry in ClinVar:

ClinVar aggregate classification (germline): Uncertain significance (1 of 4 stars; one submission).

Conditions:
Dias-Logan syndrome. Also called: INTELLECTUAL DEVELOPMENTAL DISORDER WITH HEREDITARY PERSISTENCE OF FETAL HEMOGLOBIN; Intellectual developmental disorder with persistence of fetal hemoglobin. Identifiers: Orphanet 619233, MedGen C4310833, MONDO:0014914, OMIM 617101.

Submission:

Laboratorio de Genetica e Diagnostico Molecular, Hospital Israelita Albert Einstein
Classification: Uncertain significance for Dias-Logan syndrome. Last evaluated: 2026-01-05. Review status: criteria provided, single submitter. Criteria: ACMG Guidelines, 2015. Collection method: clinical testing. Allele origin: germline. Affected: yes.
Comment: ACMG classification criteria: PM2 supporting, PP2 supporting, BP4 supporting

NM_022893.4(BCL11A):c.1430A>G (p.Asn477Ser)

Gene: BCL11A (BCL11 transcription factor A; minus strand). Cytogenetic location: 2p16.1.
Variant type: single nucleotide variant.
Coding change: c.1430A>G on transcript NM_022893.4 (MANE Select); coding-DNA position 1430, A replaced by G.
Protein change: p.Asn477Ser; replaces asparagine 477 with serine.
Molecular consequence: missense variant. On other transcripts: intron variant (6).
Genome position (GRCh38, 1-based): chr2:60,461,482, T>C on the plus strand (A>G on the coding strand, the complement: BCL11A is on the minus strand). VCF-style: chr2-60461482-T-C. GRCh37 (hg19) VCF-style: chr2-60688617-T-C.
Other names: c.1328A>G, p.Asn443Ser (NM_001363864.1, NM_001365609.1, NM_001405711.1 and 2 more transcripts); c.1430A>G, p.Asn477Ser (NM_001405708.1, NM_001405709.1, NM_001405710.1 and 1 more transcripts); c.1274A>G, p.Asn425Ser (NM_001405713.1, NM_001405714.1, NM_001405715.1 and 3 more transcripts); c.1172A>G, p.Asn391Ser (NM_001405717.1, NM_001405718.1, NM_001405724.1); c.1097A>G, p.Asn366Ser (NM_001405720.1, NM_001405721.1); c.974A>G, p.Asn325Ser (NM_001405725.1, NM_001405726.1, NM_001405727.1 and 1 more transcripts); c.737A>G, p.Asn246Ser (NM_001405729.1); c.893A>G, p.Asn298Ser (NM_001405730.1); and 5 more; short protein forms N146S, N246S, N298S, N325S, N366S, N391S, N425S, N443S.
Identifiers: ClinVar variation 4846955 (VCV004846955.1).